The following is an entry in ClinVar:

ClinVar aggregate classification (germline): Uncertain significance (1 of 4 stars; one submission).

Conditions:
Intellectual developmental disorder, autosomal dominant 45. Also called: MENTAL RETARDATION, AUTOSOMAL DOMINANT 45; Intellectual disability, autosomal dominant 45. Identifiers: MedGen C4539848, MONDO:0030910, OMIM 617600.

Submission:

MVZ Medizinische Genetik Mainz
Classification: Uncertain significance for Intellectual developmental disorder, autosomal dominant 45. Last evaluated: 2024-09-27. Review status: criteria provided, single submitter. Criteria: UK Practice Guidelines For Variant Classification V4 01 2020. Collection method: clinical testing. Allele origin: germline. Inheritance: Autosomal dominant inheritance. Affected: yes. Observed: 1 variant allele.
Comment: ACMG Criteria: PM2_SUP,PM4_SUP,PP3

NM_001386298.1(CIC):c.638_640del (p.Asp213del)

Gene: CIC (capicua transcriptional repressor; plus strand). Cytogenetic location: 19q13.2.
Variant type: Deletion.
Coding change: c.638_640del on transcript NM_001386298.1 (MANE Select); coding-DNA positions 638 to 640, 3 bases deleted (ATG; older notation c.638_640delATG).
Protein change: p.Asp213del; deletes aspartic acid 213.
Molecular consequence: inframe deletion.
Genome position (GRCh38, 1-based): chr19:42,272,421-42,272,423, ATG deleted; deleting any 3 consecutive bases within chr19:42,272,419-42,272,423 gives the same sequence; the c. name uses the placement nearest the transcript's 3' end. VCF-style (leftmost placement, unchanged base first): chr19-42272418-GTGA-G. GRCh37 (hg19) VCF-style: chr19-42776570-GTGA-G.
Other names: c.638_640del, p.Asp213del (NM_001304815.2, NM_001379480.1, NM_001379482.1); short protein forms D213del.
Identifiers: ClinVar variation 3370339 (VCV003370339.1).
Genomic context (GRCh38, chr19:42,272,418, plus strand): 5'-GCACCAGTGGCAGCTATGACCTGCGGCAGCTGCGGTCCCAGCGGGTGCTGGCTCGGCGTG[GTGA>G]TGGCCTTTTCCTGCCGGCTGTGGTGCGCCAGGTGCGCCGAAGCCAGGACCTGGGCGTGCA-3'